The following is an entry in ClinVar:

ClinVar aggregate classification (germline): Uncertain significance (1 of 4 stars; one submission).

Conditions:
Arrhythmogenic right ventricular dysplasia 10. Also called: Arrhythmogenic right ventricular dysplasia/cardiomyopathy, type 10; Arrhythmogenic Right Ventricular Dysplasia/Cardiomyopathy10; ARRHYTHMOGENIC RIGHT VENTRICULAR DYSPLASIA, FAMILIAL, 10. Identifiers: MedGen C1857777, MONDO:0012434, OMIM 610193.

Allele frequency attached by ClinVar (database versions not stated): ExAC 0.00001.
gnomAD v4.1: 2 of 1,614,198 alleles (0.00012%); highest among the groups gnomAD compares: Admixed American, 0.0033%; no homozygotes.

Submission:

Labcorp Genetics (formerly Invitae), Labcorp
Classification: Uncertain significance for Arrhythmogenic right ventricular dysplasia 10. Last evaluated: 2022-04-24. Review status: criteria provided, single submitter. Criteria: Invitae Variant Classification Sherloc (09022015). Collection method: clinical testing. Allele origin: germline.
Comment: In summary, the available evidence is currently insufficient to determine the role of this variant in disease. Therefore, it has been classified as a Variant of Uncertain Significance. Algorithms developed to predict the effect of sequence changes on RNA splicing suggest that this variant may create or strengthen a splice site. Algorithms developed to predict the effect of missense changes on protein structure and function (SIFT, PolyPhen-2, Align-GVGD) all suggest that this variant is likely to be tolerated. This variant has not been reported in the literature in individuals affected with DSG2-related conditions. This variant is present in population databases (rs747853779, gnomAD 0.003%). This sequence change replaces aspartic acid, which is acidic and polar, with glycine, which is neutral and non-polar, at codon 402 of the DSG2 protein (p.Asp402Gly).

NM_001943.5(DSG2):c.1205A>G (p.Asp402Gly)

Gene: DSG2 (desmoglein 2; plus strand). Cytogenetic location: 18q12.1.
Variant type: single nucleotide variant.
Coding change: c.1205A>G on transcript NM_001943.5 (MANE Select); coding-DNA position 1205, A replaced by G.
Protein change: p.Asp402Gly; replaces aspartic acid 402 with glycine.
Molecular consequence: missense variant.
Genome position (GRCh38, 1-based): chr18:31,531,177, A>G. VCF-style: chr18-31531177-A-G. GRCh37 (hg19) VCF-style: chr18-29111140-A-G.
Other names: short protein forms D402G.
Identifiers: ClinVar variation 1913739 (VCV001913739.5), dbSNP rs747853779, ClinGen allele CA041672.